The following is an entry in ClinVar:

ClinVar aggregate classification (germline): Uncertain significance (1 of 4 stars; one submission).

Conditions:
Inborn genetic diseases. Identifiers: MedGen C0950123, MeSH D030342.

Allele frequency attached by ClinVar (database versions not stated): 1000 Genomes Project 30x 0.00016.
gnomAD v4.1: 2 of 1,548,316 alleles (0.00013%); highest among the groups gnomAD compares: East Asian, 0.0024%; no homozygotes.

Submission:

Ambry Genetics
Classification: Uncertain significance for Inborn genetic diseases. Last evaluated: 2020-09-29. Review status: criteria provided, single submitter. Criteria: Ambry Variant Classification Scheme 2023. Collection method: clinical testing. Allele origin: germline.
Comment: The c.1299-5C>A intronic alteration results from a C to A substitution 5 nucleotides before coding exon 14 of the PNKP gene. Based on data from the Genome Aggregation Database (gnomAD), the PNKP c.1299-5C>A alteration was not observed, with coverage at this position. This nucleotide position is not well conserved in available vertebrate species. In silico splice site analysis predicts that this alteration will not have any significant effect on splicing. Based on insufficient or conflicting evidence, the clinical significance of this alteration remains unclear.

NM_007254.4(PNKP):c.1299-5C>A

Gene: PNKP (polynucleotide kinase 3'-phosphatase; minus strand). Cytogenetic location: 19q13.33.
Variant type: single nucleotide variant.
Coding change: c.1299-5C>A on transcript NM_007254.4 (MANE Select); 5 bases into the intron before coding-DNA position 1299, C replaced by A.
Molecular consequence: intron variant.
Genome position (GRCh38, 1-based): chr19:49,861,700, G>T on the plus strand (C>A on the coding strand, the complement: PNKP is on the minus strand). VCF-style: chr19-49861700-G-T. GRCh37 (hg19) VCF-style: chr19-50364957-G-T.
Identifiers: ClinVar variation 2227751 (VCV002227751.2), dbSNP rs1057522419, ClinGen allele CA2580097598.